The following is an entry in ClinVar:

ClinVar aggregate classification (germline): Pathogenic. Review status: criteria provided, multiple submitters, no conflicts (2 of 4 stars). 2 submissions from 2 submitters: Pathogenic (2). Last evaluated 2025-07-29.

Conditions:
CEP290-related ciliopathy. Also called: CEP290 ciliopathy. Identifiers: MedGen CN305601, MONDO:0100451.
Meckel-Gruber syndrome. Also called: Dysencephalia splachnocystica; DYSENCEPHALIA SPLANCHNOCYSTICA; GRUBER SYNDROME. Identifiers: Orphanet 564, MedGen C0265215, MONDO:0018921.
Nephronophthisis. Also called: Juvenile Nephronophthisis. Identifiers: Orphanet 655, MedGen C0687120, MONDO:0019005, HP:0000090.
Joubert syndrome. Also called: Familial aplasia of the vermis; JOUBERT-BOLTSHAUSER SYNDROME. Identifiers: Orphanet 475, MedGen C5979921, MONDO:0018772.

Allele frequency attached by ClinVar (database versions not stated): gnomAD exomes below 0.00001.
gnomAD v4.1: 1 of 1,477,276 alleles (0.000068%); highest among the groups gnomAD compares: South Asian, 0.0014%; no homozygotes.

Submissions (2):

Myriad Genetics, Inc.
Classification: Pathogenic for CEP290-related ciliopathy. Last evaluated: 2025-07-29. Review status: criteria provided, single submitter. Criteria: Myriad Autosomal Dominant, Autosomal Recessive and X-Linked Classification Criteria (2023). Collection method: clinical testing. Allele origin: unknown.
Comment: NM_025114.3(CEP290):c.4825C>T(Q1609*) is expected to be pathogenic in the context of CEP290-related disorders. This variant is predicted to lead to an abnormal or absent protein product due to the creation of a premature termination codon in CEP290, a gene where loss-of-function variants are known to be pathogenic. Please note: this variant was assessed in the context of healthy population screening.

Labcorp Genetics (formerly Invitae), Labcorp
Classification: Pathogenic for Joubert syndrome; Meckel-Gruber syndrome; Nephronophthisis. Last evaluated: 2021-06-26. Review status: criteria provided, single submitter. Criteria: Invitae Variant Classification Sherloc (09022015). Collection method: clinical testing. Allele origin: germline.
Comment: This sequence change creates a premature translational stop signal (p.Gln1609*) in the CEP290 gene. It is expected to result in an absent or disrupted protein product. Loss-of-function variants in CEP290 are known to be pathogenic (PMID: 16909394, 17345604, 20690115). This variant is not present in population databases (ExAC no frequency). This variant has not been reported in the literature in individuals with CEP290-related conditions. For these reasons, this variant has been classified as Pathogenic.

Literature cited by the submitters: PubMed 16909394 (cited by Labcorp Genetics (formerly Invitae), Labcorp); PubMed 17345604 (cited by Labcorp Genetics (formerly Invitae), Labcorp); PubMed 20690115 (cited by Labcorp Genetics (formerly Invitae), Labcorp).

NM_025114.4(CEP290):c.4825C>T (p.Gln1609Ter)

Gene: CEP290 (centrosomal protein 290; minus strand). Cytogenetic location: 12q21.32.
Variant type: single nucleotide variant.
Coding change: c.4825C>T on transcript NM_025114.4 (MANE Select); coding-DNA position 4825, C replaced by T.
Protein change: p.Gln1609Ter; replaces glutamine 1609 with a stop codon.
Molecular consequence: nonsense.
Genome position (GRCh38, 1-based): chr12:88,083,218, G>A on the plus strand (C>T on the coding strand, the complement: CEP290 is on the minus strand). VCF-style: chr12-88083218-G-A. GRCh37 (hg19) VCF-style: chr12-88476995-G-A.
Other names: short protein forms Q1609*.
Identifiers: ClinVar variation 1457867 (VCV001457867.7), dbSNP rs2137156392, ClinGen allele CA385993051.
Genomic context (GRCh38, chr12:88,083,218, plus strand): 5'-TCTGTTCCATCTCAGCCAGACGAATAAAATGCTTGTTGGTAGGAACTGGAGTGGGAGACT[G>A]TTTCATTAAATCCTATAAAATATGAATATATTAGCAATAGGCATGTATAATTCAATGCCA-3'